The following is an entry in ClinVar:

ClinVar aggregate classification (germline): Uncertain significance (1 of 4 stars; one submission).

Conditions:
Cardiovascular phenotype. Identifiers: MedGen CN230736.

Allele frequency attached by ClinVar (database versions not stated): TOPMed below 0.00001; gnomAD 0.00001.
gnomAD v4.1: 2 of 1,608,202 alleles (0.00012%); highest among the groups gnomAD compares: African/African-American, 0.0027%; no homozygotes.

Submission:

Ambry Genetics
Classification: Uncertain significance for Cardiovascular phenotype. Last evaluated: 2025-02-13. Review status: criteria provided, single submitter. Criteria: Ambry Variant Classification Scheme 2023. Collection method: clinical testing. Allele origin: germline.
Comment: The p.Y805C variant (also known as c.2414A>G), located in coding exon 4 of the TNXB gene, results from an A to G substitution at nucleotide position 2414. The tyrosine at codon 805 is replaced by cysteine, an amino acid with highly dissimilar properties. This amino acid position is conserved. In addition, the in silico prediction for this alteration is inconclusive. Since supporting evidence is limited at this time, the clinical significance of this alteration remains unclear.

NM_001365276.2(TNXB):c.2414A>G (p.Tyr805Cys)

Gene: TNXB (tenascin XB; minus strand). Cytogenetic location: 6p21.33.
Variant type: single nucleotide variant.
Coding change: c.2414A>G on transcript NM_001365276.2 (MANE Select); coding-DNA position 2414, A replaced by G.
Protein change: p.Tyr805Cys; replaces tyrosine 805 with cysteine.
Molecular consequence: missense variant.
Genome position (GRCh38, 1-based): chr6:32,089,324, T>C on the plus strand (A>G on the coding strand, the complement: TNXB is on the minus strand). VCF-style: chr6-32089324-T-C. GRCh37 (hg19) VCF-style: chr6-32057101-T-C.
Other names: c.2414A>G, p.Tyr805Cys (NM_019105.8); short protein forms Y805C.
Identifiers: ClinVar variation 1790922 (VCV001790922.3), dbSNP rs1779972815, ClinGen allele CA363464387.
Genomic context (GRCh38, chr6:32,089,324, plus strand): 5'-CCTCGAAGGGCTCGGACAGTGACCTGGTACTCCTGTCCAGGGGCCAGTCCTCTCTGGTCA[T>C]AGGCTGAGGCAGAGCTTGGAACCCGTGCTGTGAATGGGGGGCTCGCCCCCTCTGTCTGTG-3'
Protein context (NP_001352205.1, residues 795-815): TARVPSSASA[Tyr805Cys]DQRGLAPGQE